The following is an entry in ClinVar:

NM_016169.4(SUFU):c.777C>G (p.Ile259Met)

Gene: SUFU (SUFU negative regulator of hedgehog signaling; plus strand). Cytogenetic location: 10q24.32.
Variant type: single nucleotide variant.
Coding change: c.777C>G on transcript NM_016169.4 (MANE Select); coding-DNA position 777, C replaced by G.
Protein change: p.Ile259Met; replaces isoleucine 259 with methionine.
Molecular consequence: missense variant.
Genome position (GRCh38, 1-based): chr10:102,597,160, C>G. VCF-style: chr10-102597160-C-G. GRCh37 (hg19) VCF-style: chr10-104356917-C-G.
Other names: c.777C>G, p.Ile259Met (NM_001178133.2); short protein forms I259M.
Identifiers: ClinVar variation 453979 (VCV000453979.13), dbSNP rs749533220, ClinGen allele CA212267667.
Genomic context (GRCh38, chr10:102,597,160, plus strand): 5'-TCTCTGAAAGAACTCTGGCTCTTTGGTTCTTTTCAAGCAGGAGAGAGTTGACAAAGGCAT[C>G]GAGACAGATGGCTCCAACCTGAGTGGTGTCAGTGCCAAGTGTGCCTGGGATGACCTGAGC-3'
Protein context (NP_057253.2, residues 249-269): PHLQERVDKG[Ile259Met]ETDGSNLSGV

ClinVar aggregate classification (germline): Uncertain significance. Review status: criteria provided, multiple submitters, no conflicts (2 of 4 stars). 4 submissions from 4 submitters: Uncertain significance (4). Last evaluated 2025-05-22.

Conditions:
Medulloblastoma (MDB). Also called: Medulloblastoma, somatic; MEDULLOBLASTOMA PREDISPOSITION SYNDROME. Identifiers: Orphanet 616, MedGen C0025149, MeSH D008527, MONDO:0007959, OMIM 155255, HP:0002885.
Gorlin syndrome. Also called: Nevoid Basal Cell Carcinoma Syndrome; Basal cell nevus syndrome. Identifiers: Orphanet 377, MedGen C0004779, MONDO:0007187.
Hereditary cancer-predisposing syndrome. Also called: Neoplastic Syndromes, Hereditary; Hereditary Cancer Syndrome; Hereditary neoplastic syndrome; Tumor predisposition. Identifiers: Orphanet 140162, MedGen C0027672, MeSH D009386, MONDO:0015356.
Familial meningioma. Also called: Meningioma, familial, susceptibility to. Identifiers: Orphanet 263662, MedGen C3551915, MONDO:0011789, OMIM 607174.

Submissions (4):

Ambry Genetics
Classification: Uncertain significance for Hereditary cancer-predisposing syndrome. Last evaluated: 2025-05-22. Review status: criteria provided, single submitter. Criteria: Ambry Variant Classification Scheme 2023. Collection method: clinical testing. Allele origin: germline.
Comment: The p.I259M variant (also known as c.777C>G), located in coding exon 7 of the SUFU gene, results from a C to G substitution at nucleotide position 777. The isoleucine at codon 259 is replaced by methionine, an amino acid with highly similar properties. This amino acid position is conserved. In addition, the in silico prediction for this alteration is inconclusive. Since supporting evidence is limited at this time, the clinical significance of this alteration remains unclear.

Labcorp Genetics (formerly Invitae), Labcorp
Classification: Uncertain significance for Gorlin syndrome; Medulloblastoma. Last evaluated: 2024-10-09. Review status: criteria provided, single submitter. Criteria: Invitae Variant Classification Sherloc (09022015). Collection method: clinical testing. Allele origin: germline.
Comment: This sequence change replaces isoleucine, which is neutral and non-polar, with methionine, which is neutral and non-polar, at codon 259 of the SUFU protein (p.Ile259Met). This variant is not present in population databases (gnomAD no frequency). This variant has not been reported in the literature in individuals affected with SUFU-related conditions. ClinVar contains an entry for this variant (Variation ID: 453979). Invitae Evidence Modeling of protein sequence and biophysical properties (such as structural, functional, and spatial information, amino acid conservation, physicochemical variation, residue mobility, and thermodynamic stability) indicates that this missense variant is not expected to disrupt SUFU protein function with a negative predictive value of 80%. In summary, the available evidence is currently insufficient to determine the role of this variant in disease. Therefore, it has been classified as a Variant of Uncertain Significance.

Baylor Genetics
Classification: Uncertain significance for Familial meningioma. Last evaluated: 2023-06-16. Review status: criteria provided, single submitter. Criteria: ACMG Guidelines, 2015. Collection method: clinical testing. Allele origin: unknown.

Blueprint Genetics
Classification: Uncertain significance. Last evaluated: 2021-12-29. Review status: criteria provided, single submitter. Criteria: ACMG Guidelines, 2015. Collection method: clinical testing. Allele origin: germline.